The following is an entry in ClinVar:

NM_000243.3(MEFV):c.1412A>C (p.Tyr471Ser)

Gene: MEFV (MEFV innate immunity regulator, pyrin; minus strand). Cytogenetic location: 16p13.3.
Variant type: single nucleotide variant.
Coding change: c.1412A>C on transcript NM_000243.3 (MANE Select); coding-DNA position 1412, A replaced by C.
Protein change: p.Tyr471Ser; replaces tyrosine 471 with serine.
Molecular consequence: missense variant.
Genome position (GRCh38, 1-based): chr16:3,247,191, T>G on the plus strand (A>C on the coding strand, the complement: MEFV is on the minus strand). VCF-style: chr16-3247191-T-G. GRCh37 (hg19) VCF-style: chr16-3297191-T-G.
Other names: c.779A>C, p.Tyr260Ser (NM_001198536.2); short protein forms Y471S, Y260S.
Identifiers: ClinVar variation 1953618 (VCV001953618.5), dbSNP rs1161566990, ClinGen allele CA394464681.

ClinVar aggregate classification (germline): Uncertain significance (1 of 4 stars; one submission).

Conditions:
Familial Mediterranean fever (FMF). Also called: POLYSEROSITIS, FAMILIAL PAROXYSMAL; POLYSEROSITIS, RECURRENT; Periodic peritonitis; Benign paroxysmal peritonitis. Identifiers: Orphanet 342, MedGen C0031069, MONDO:0018088, OMIM 249100. Disease mechanism: gain of function.

gnomAD v4.1: 1 of 1,614,128 alleles (0.000062%); highest among the groups gnomAD compares: Admixed American, 0.0017%; no homozygotes.

Submission:

Labcorp Genetics (formerly Invitae), Labcorp
Classification: Uncertain significance for Familial Mediterranean fever. Last evaluated: 2022-05-04. Review status: criteria provided, single submitter. Criteria: Invitae Variant Classification Sherloc (09022015). Collection method: clinical testing. Allele origin: germline.
Comment: This variant has not been reported in the literature in individuals affected with MEFV-related conditions. In summary, the available evidence is currently insufficient to determine the role of this variant in disease. Therefore, it has been classified as a Variant of Uncertain Significance. Algorithms developed to predict the effect of missense changes on protein structure and function (SIFT, PolyPhen-2, Align-GVGD) all suggest that this variant is likely to be tolerated. This variant is not present in population databases (gnomAD no frequency). This sequence change replaces tyrosine, which is neutral and polar, with serine, which is neutral and polar, at codon 471 of the MEFV protein (p.Tyr471Ser).